The following is an entry in ClinVar:

ClinVar aggregate classification (germline): Pathogenic (1 of 4 stars; one submission).

Submission:

Labcorp Genetics (formerly Invitae), Labcorp
Classification: Pathogenic. Last evaluated: 2023-01-16. Review status: criteria provided, single submitter. Criteria: Invitae Variant Classification Sherloc (09022015). Collection method: clinical testing. Allele origin: germline.
Comment: This sequence change creates a premature translational stop signal (p.Arg97Serfs*2) in the GORAB gene. It is expected to result in an absent or disrupted protein product. Loss-of-function variants in GORAB are known to be pathogenic (PMID: 18997784, 19681135). This variant is present in population databases (rs780531933, gnomAD 0.006%). This variant has not been reported in the literature in individuals affected with GORAB-related conditions. For these reasons, this variant has been classified as Pathogenic.

Literature cited by the submitters: PubMed 18997784; PubMed 19681135.

NM_152281.3(GORAB):c.216_217del (p.Arg72fs)

Gene: GORAB (golgin, RAB6 interacting; plus strand). Cytogenetic location: 1q24.2.
Variant type: Microsatellite.
Coding change: c.216_217del on transcript NM_152281.3 (MANE Select); coding-DNA positions 216 to 217, 2 bases deleted (AG; older notation c.216_217delAG).
Protein change: p.Arg72fs; shifts the reading frame from arginine 72.
Molecular consequence: frameshift variant. On other transcripts: 5 prime UTR variant (1), non-coding transcript variant (1).
Genome position (GRCh38, 1-based): chr1:170,539,364-170,539,365, AG deleted; deleting any 2 consecutive bases within chr1:170,539,360-170,539,365 gives the same sequence; the c. name uses the placement nearest the transcript's 3' end. VCF-style (leftmost placement, unchanged base first): chr1-170539359-CAG-C. GRCh37 (hg19) VCF-style: chr1-170508500-CAG-C.
Other names: c.216_217del, p.Arg72fs (NM_001146039.2); c.-254AG[2] (NM_001320252.2); c.165_166del, p.Arg55fs (NM_001410894.1); short protein forms R55fs, R72fs.
Identifiers: ClinVar variation 2872040 (VCV002872040.3), dbSNP rs780531933, ClinGen allele CA1239061.